The following is an entry in ClinVar:

ClinVar aggregate classification (germline): Benign. Review status: criteria provided, multiple submitters, no conflicts (2 of 4 stars). 14 submissions from 11 submitters: Benign (14). Last evaluated 2026-02-04.

Conditions:
Dilated cardiomyopathy 1G (CMD1G). Identifiers: Orphanet 154, MedGen C1858763, MONDO:0011400, OMIM 604145.
Autosomal recessive limb-girdle muscular dystrophy type 2J (LGMDR10). Also called: MUSCULAR DYSTROPHY, LIMB-GIRDLE, AUTOSOMAL RECESSIVE 10; Limb-girdle muscular dystrophy, type 2J. Identifiers: Orphanet 140922, MedGen C1837342, MONDO:0012127, OMIM 608807.
Cardiovascular phenotype. Identifiers: MedGen CN230736.
Early-onset myopathy with fatal cardiomyopathy (CMYO5). Also called: CONGENITAL MYOPATHY 5 WITH CARDIOMYOPATHY; Salih Myopathy. Identifiers: Orphanet 289377, MedGen C2673677, MONDO:0012714, OMIM 611705. Disease mechanism: loss of function.
Myopathy, myofibrillar, 9, with early respiratory failure (MFM9). Also called: Myopathy, distal, with early respiratory failure, autosomal dominant; Hereditary myopathy with early respiratory failure; MYOPATHY, PROXIMAL, WITH EARLY RESPIRATORY MUSCLE INVOLVEMENT; EDSTROM MYOPATHY. Identifiers: Orphanet 178464, Orphanet 34521, MedGen C1863599, MONDO:0011362, OMIM 603689.
Tibial muscular dystrophy (TMD). Also called: Udd Distal Myopathy – Tibial Muscular Dystrophy; Tibial muscular dystrophy, tardive; UDD MYOPATHY. Identifiers: Orphanet 609, MedGen C1838244, MONDO:0010870, OMIM 600334.

Allele frequency attached by ClinVar (database versions not stated): ExAC 0.18878; gnomAD 0.20680 and 0.20627; 1000 Genomes Project 0.27316; 1000 Genomes Project 30x 0.27873; gnomAD exomes 0.18197 and 0.10702; ESP Exome Variant Server 0.18085; TOPMed 0.23300.
gnomAD v4.1: 188,595 of 1,612,258 alleles (12%); highest among the groups gnomAD compares: African/African-American, 42%; 19,490 homozygotes.

Submissions (14):

Labcorp Genetics (formerly Invitae), Labcorp
Classification: Benign for Dilated cardiomyopathy 1G; Autosomal recessive limb-girdle muscular dystrophy type 2J. Last evaluated: 2026-02-04. Review status: criteria provided, single submitter. Criteria: Invitae Variant Classification Sherloc (09022015). Collection method: clinical testing. Allele origin: germline.

Molecular Diagnostic Laboratory for Inherited Cardiovascular Disease, Montreal Heart Institute
Classification: Benign. Last evaluated: 2025-04-09. Review status: criteria provided, single submitter. Criteria: ACMG Guidelines, 2015. Collection method: clinical testing. Allele origin: germline. Affected: no.
Comment: BA1

Genome-Nilou Lab
Classification: Benign for Autosomal recessive limb-girdle muscular dystrophy type 2J. Last evaluated: 2021-09-10. Review status: criteria provided, single submitter. Criteria: ACMG Guidelines, 2015. Collection method: clinical testing. Allele origin: germline. Affected: no.

Genome-Nilou Lab
Classification: Benign for Myopathy, myofibrillar, 9, with early respiratory failure. Last evaluated: 2021-09-10. Review status: criteria provided, single submitter. Criteria: ACMG Guidelines, 2015. Collection method: clinical testing. Allele origin: germline. Affected: no.

Genome-Nilou Lab
Classification: Benign for Early-onset myopathy with fatal cardiomyopathy. Last evaluated: 2021-09-10. Review status: criteria provided, single submitter. Criteria: ACMG Guidelines, 2015. Collection method: clinical testing. Allele origin: germline. Affected: no.

Genome-Nilou Lab
Classification: Benign for Tibial muscular dystrophy. Last evaluated: 2021-09-10. Review status: criteria provided, single submitter. Criteria: ACMG Guidelines, 2015. Collection method: clinical testing. Allele origin: germline. Affected: no.

Athena Diagnostics
Classification: Benign. Last evaluated: 2018-09-21. Review status: criteria provided, single submitter. Criteria: Athena Diagnostics Criteria. Collection method: clinical testing. Allele origin: germline.

Ambry Genetics
Classification: Benign for Cardiovascular phenotype. Last evaluated: 2015-04-20. Review status: criteria provided, single submitter. Criteria: Ambry Variant Classification Scheme 2023. Collection method: clinical testing. Allele origin: germline.

Mayo Clinic Laboratories, Mayo Clinic
Classification: Benign. Last evaluated: 2014-02-14. Review status: criteria provided, single submitter. Criteria: ACMG Guidelines, 2015. Collection method: clinical testing. Allele origin: germline. Observed: 429 variant alleles.

Biesecker Lab/Clinical Genomics Section, National Institutes of Health
Classification: Benign. Last evaluated: 2013-06-24. Review status: criteria provided, single submitter. Criteria: Ng et al. (Circ Cardiovasc Genet. 2013). Collection method: research. Allele origin: unknown. Observed: 135 variant alleles. Study: ClinSeq.
Comment: The study set was not selected for affection status in relation to any cancer. Pathogenicity categories were based on literature curation. See Pubmed ID:23861362 for details.

Medical sequencing

GeneDx
Classification: Benign. Last evaluated: 2012-10-26. Review status: criteria provided, single submitter. Criteria: GeneDx Variant Classification (06012015). Collection method: clinical testing. Allele origin: germline. Affected: yes.
Comment: This variant is considered likely benign or benign based on one or more of the following criteria: it is a conservative change, it occurs at a poorly conserved position in the protein, it is predicted to be benign by multiple in silico algorithms, and/or has population frequency not consistent with disease.

Laboratory for Molecular Medicine, Mass General Brigham Personalized Medicine
Classification: Benign. Last evaluated: 2011-09-27. Review status: criteria provided, single submitter. Criteria: LMM Criteria. Collection method: clinical testing. Allele origin: germline. Observed: 467 variant alleles.

Breakthrough Genomics
Classification: Benign. Review status: criteria provided, single submitter. Criteria: ACMG Guidelines, 2015. Collection method: not provided. Allele origin: germline. Inheritance: Autosomal recessive inheritance. Affected: yes.

PreventionGenetics, part of Exact Sciences
Classification: Benign. Review status: criteria provided, single submitter. Criteria: ACMG Guidelines, 2015. Collection method: clinical testing. Allele origin: germline.

NM_001267550.2(TTN):c.11422C>T (p.Pro3808Ser)

Gene: TTN (titin; minus strand). Cytogenetic location: 2q31.2.
Variant type: single nucleotide variant.
Coding change: c.11422C>T on transcript NM_001267550.2 (MANE Select); coding-DNA position 11422, C replaced by T.
Protein change: p.Pro3808Ser; replaces proline 3808 with serine.
Molecular consequence: missense variant. On other transcripts: intron variant (1).
Genome position (GRCh38, 1-based): chr2:178,741,811, G>A on the plus strand (C>T on the coding strand, the complement: TTN is on the minus strand). VCF-style: chr2-178741811-G-A. GRCh37 (hg19) VCF-style: chr2-179606538-G-A.
Other names: p.P3491S:CCA>TCA; c.10471C>T, p.Pro3491Ser (NM_001256850.1); c.10333C>T, p.Pro3445Ser (NM_003319.4); c.10708C>T, p.Pro3570Ser (NM_133432.3); c.10909C>T, p.Pro3637Ser (NM_133437.4); c.10361-3451C>T (NM_133378.4); short protein forms P3808S, P3491S, P3570S, P3445S, P3637S.
Identifiers: ClinVar variation 47807 (VCV000047807.25), dbSNP rs2627037, ClinGen allele CA284506.